The following is an entry in ClinVar:

ClinVar aggregate classification (germline): Pathogenic (1 of 4 stars; one submission).

Submission:

GeneDx
Classification: Pathogenic. Last evaluated: 2026-03-24. Review status: criteria provided, single submitter. Criteria: GeneDx Variant Classification Process June 2021. Collection method: clinical testing. Allele origin: germline.
Comment: Nonsense variant predicted to result in protein truncation or nonsense mediated decay in a gene for which loss of function is a known mechanism of disease; Not observed at significant frequency in large population cohorts (gnomAD); Has not been previously published as pathogenic or benign to our knowledge

NM_000969.5(RPL5):c.364C>T (p.Gln122Ter)

Genes: DIPK1A (divergent protein kinase domain 1A; minus strand), RPL5 (ribosomal protein L5; plus strand). Cytogenetic location: 1p22.1.
Variant type: single nucleotide variant.
Coding change: c.364C>T on transcript NM_000969.5 (MANE Select); coding-DNA position 364, C replaced by T.
Protein change: p.Gln122Ter; replaces glutamine 122 with a stop codon.
Molecular consequence: nonsense. On other transcripts: non-coding transcript variant (1), intron variant (1).
Genome position (GRCh38, 1-based): chr1:92,836,229, C>T. VCF-style: chr1-92836229-C-T. GRCh37 (hg19) VCF-style: chr1-93301786-C-T.
Other names: c.475-3195G>A (NM_001252273.2); short protein forms Q122*.
Identifiers: ClinVar variation 5016858 (VCV005016858.1).